The following is an entry in ClinVar:

NM_000352.6(ABCC8):c.4105_4106delinsTT (p.Ala1369Phe)

Gene: ABCC8 (ATP binding cassette subfamily C member 8; minus strand). Cytogenetic location: 11p15.1.
Variant type: Indel.
Coding change: c.4105_4106delinsTT on transcript NM_000352.6 (MANE Select); coding-DNA positions 4105 to 4106, GC replaced by TT.
Protein change: p.Ala1369Phe; replaces alanine 1369 with phenylalanine.
Molecular consequence: missense variant. On other transcripts: non-coding transcript variant (1).
Genome position (GRCh38, 1-based): chr11:17,396,929-17,396,930, GC replaced by AA on the plus strand (GC replaced by TT on the coding strand, the reverse complement: ABCC8 is on the minus strand). VCF-style: chr11-17396929-GC-AA. GRCh37 (hg19) VCF-style: chr11-17418476-GC-AA.
Other names: c.4108_4109delinsTT, p.Ala1370Phe (NM_001287174.3); c.4171_4172delinsTT, p.Ala1391Phe (NM_001351295.2); c.4105_4106delinsTT, p.Ala1369Phe (NM_001351296.2); c.4102_4103delinsTT, p.Ala1368Phe (NM_001351297.2); short protein forms A1368F, A1369F, A1370F, A1391F.
Identifiers: ClinVar variation 3610401 (VCV003610401.2).

ClinVar aggregate classification (germline): Uncertain significance (1 of 4 stars; one submission).

Submission:

Labcorp Genetics (formerly Invitae), Labcorp
Classification: Uncertain significance. Last evaluated: 2024-10-04. Review status: criteria provided, single submitter. Criteria: Invitae Variant Classification Sherloc (09022015). Collection method: clinical testing. Allele origin: germline.
Comment: This sequence change replaces alanine, which is neutral and non-polar, with phenylalanine, which is neutral and non-polar, at codon 1369 of the ABCC8 protein (p.Ala1369Phe). The frequency data for this variant in the population databases is considered unreliable, as metrics indicate poor data quality at this position in the gnomAD database. This variant has not been reported in the literature in individuals affected with ABCC8-related conditions. An algorithm developed to predict the effect of missense changes on protein structure and function (PolyPhen-2) suggests that this variant is likely to be tolerated. In summary, the available evidence is currently insufficient to determine the role of this variant in disease. Therefore, it has been classified as a Variant of Uncertain Significance.